The following is an entry in ClinVar:

NM_000384.3(APOB):c.5803G>T (p.Ala1935Ser)

Gene: APOB (apolipoprotein B; minus strand). Cytogenetic location: 2p24.1.
Variant type: single nucleotide variant.
Coding change: c.5803G>T on transcript NM_000384.3 (MANE Select); coding-DNA position 5803, G replaced by T.
Protein change: p.Ala1935Ser; replaces alanine 1935 with serine.
Molecular consequence: missense variant.
Genome position (GRCh38, 1-based): chr2:21,011,065, C>A on the plus strand (G>T on the coding strand, the complement: APOB is on the minus strand). VCF-style: chr2-21011065-C-A. GRCh37 (hg19) VCF-style: chr2-21233937-C-A.
Other names: short protein forms A1935S.
Identifiers: ClinVar variation 3415459 (VCV003415459.1).

ClinVar aggregate classification (germline): Uncertain significance (1 of 4 stars; one submission).

Conditions:
Cardiovascular phenotype. Identifiers: MedGen CN230736.

gnomAD v4.1: 1 of 1,614,192 alleles (0.000062%); highest among the groups gnomAD compares: Non-Finnish European, 0.000085%; no homozygotes.

Submission:

Ambry Genetics
Classification: Uncertain significance for Cardiovascular phenotype. Last evaluated: 2024-06-28. Review status: criteria provided, single submitter. Criteria: Ambry Variant Classification Scheme 2023. Collection method: clinical testing. Allele origin: germline.
Comment: The p.A1935S variant (also known as c.5803G>T), located in coding exon 26 of the APOB gene, results from a G to T substitution at nucleotide position 5803. The alanine at codon 1935 is replaced by serine, an amino acid with similar properties. This amino acid position is conserved. In addition, this alteration is predicted to be tolerated by in silico analysis. Based on the available evidence, the clinical significance of this variant remains unclear.